The following is an entry in ClinVar:

NM_000142.5(FGFR3):c.1286C>T (p.Ala429Val)

Gene: FGFR3 (fibroblast growth factor receptor 3; plus strand). Cytogenetic location: 4p16.3.
Variant type: single nucleotide variant.
Coding change: c.1286C>T on transcript NM_000142.5 (MANE Select); coding-DNA position 1286, C replaced by T.
Protein change: p.Ala429Val; replaces alanine 429 with valine.
Molecular consequence: missense variant. On other transcripts: non-coding transcript variant (1).
Genome position (GRCh38, 1-based): chr4:1,804,843, C>T. VCF-style: chr4-1804843-C-T. GRCh37 (hg19) VCF-style: chr4-1806570-C-T.
Other names: c.1292C>T, p.Ala431Val (NM_001163213.2); c.1289C>T, p.Ala430Val (NM_001354809.2, NM_001354810.2); c.950C>T, p.Ala317Val (NM_022965.4); short protein forms A317V, A429V, A430V, A431V.
Identifiers: ClinVar variation 4811609 (VCV004811609.2).
Genomic context (GRCh38, chr4:1,804,843, plus strand): 5'-TCGCCCACGCGGCGCCAACCTGCCCCTGCTGACCCAAGCAGGTGTCCCTGGAGTCCAACG[C>T]GTCCATGAGCTCCAACACACCACTGGTGCGCATCGCAAGGCTGTCCTCAGGGGAGGGCCC-3'
Protein context (NP_000133.1, residues 419-439): LKRQVSLESN[Ala429Val]SMSSNTPLVR

ClinVar aggregate classification (germline): Conflicting classifications of pathogenicity. Review status: criteria provided, conflicting classifications (1 of 4 stars). 2 submissions from 2 submitters: Uncertain significance (1); Likely benign (1). Last evaluated 2026-06-23.

Conditions:
FGFR3-related chondrodysplasia. Identifiers: Orphanet 93420, MedGen C5681604, MONDO:0019685.

Submissions (2):

Genomenon, Inc
Classification: Uncertain significance for FGFR3-related chondrodysplasia. Last evaluated: 2026-06-23. Review status: criteria provided, single submitter. Criteria: Genomenon Sequence Variant Interpretation Standards - Updated. Collection method: curation. Allele origin: germline. Affected: no.
Comment: FGFR3 p.Ala429Val (c.1286C>T) is a missense variant that changes the amino acid at codon 429 from Alanine to Valine. This variant has been reported in the published literature (PMID:39336818). It is absent or not present at a significant frequency in gnomAD. In conclusion, we classify FGFR3 p.Ala429Val (c.1286C>T) as a variant of uncertain significance.

Labcorp Genetics (formerly Invitae), Labcorp
Classification: Likely benign. Last evaluated: 2025-07-14. Review status: criteria provided, single submitter. Criteria: Invitae Variant Classification Sherloc (09022015). Collection method: clinical testing. Allele origin: germline.

Literature cited by the submitters: PubMed 39336818 (cited by Genomenon, Inc).